The following is an entry in ClinVar:

ClinVar aggregate classification (germline): Likely benign (1 of 4 stars; one submission).

Conditions:
LRRC45-related disorder. Also called: LRRC45-related condition.

Submission:

PreventionGenetics, part of Exact Sciences
Classification: Likely benign for LRRC45-related condition. Last evaluated: 2026-05-31. Review status: criteria provided, single submitter. Criteria: ACMG Guidelines, 2015. Collection method: clinical testing. Allele origin: germline.
Comment: This variant is classified as likely benign based on ACMG/AMP sequence variant interpretation guidelines (Richards et al. 2015 PMID: 25741868, with internal and published modifications).

NM_144999.4(LRRC45):c.1948C>T (p.Leu650=)

Gene: LRRC45 (leucine rich repeat containing 45; plus strand). Cytogenetic location: 17q25.3.
Variant type: single nucleotide variant.
Coding change: c.1948C>T on transcript NM_144999.4 (MANE Select); coding-DNA position 1948, C replaced by T.
Protein change: p.Leu650=; no amino-acid change (leucine 650 retained).
Molecular consequence: synonymous variant.
Genome position (GRCh38, 1-based): chr17:82,030,740, C>T. VCF-style: chr17-82030740-C-T. GRCh37 (hg19) VCF-style: chr17-79988616-C-T.
Identifiers: ClinVar variation 4993149 (VCV004993149.1).